The following is an entry in ClinVar:

NM_003384.3(VRK1):c.1020C>T (p.Asp340=)

Gene: VRK1 (VRK serine/threonine kinase 1; plus strand). Cytogenetic location: 14q32.2.
Variant type: single nucleotide variant.
Coding change: c.1020C>T on transcript NM_003384.3 (MANE Select); coding-DNA position 1020, C replaced by T.
Protein change: p.Asp340=; no amino-acid change (aspartic acid 340 retained).
Molecular consequence: synonymous variant.
Genome position (GRCh38, 1-based): chr14:96,860,687, C>T. VCF-style: chr14-96860687-C-T. GRCh37 (hg19) VCF-style: chr14-97327024-C-T.
Other names: p.Asp340=.
Identifiers: ClinVar variation 378856 (VCV000378856.69), dbSNP rs147853760, ClinGen allele CA7339143.

ClinVar aggregate classification (germline): Conflicting classifications of pathogenicity. Review status: criteria provided, conflicting classifications (1 of 4 stars). 12 submissions from 12 submitters: Uncertain significance (2); Benign (1); Likely benign (6). 3 of the submissions do not count toward it. Last evaluated 2026-04-01.

Conditions:
Inborn genetic diseases. Identifiers: MedGen C0950123, MeSH D030342.
Pontocerebellar hypoplasia type 1A (PCH1A). Also called: PONTOCEREBELLAR HYPOPLASIA WITH ANTERIOR HORN CELL DISEASE; PONTOCEREBELLAR HYPOPLASIA WITH INFANTILE SPINAL MUSCULAR ATROPHY. Identifiers: Orphanet 2254, Orphanet 88616, MedGen C1843504, MONDO:0011866, OMIM 607596.

Allele frequency attached by ClinVar (database versions not stated): gnomAD exomes 0.00064 and 0.00082; ExAC 0.00066; gnomAD 0.00066 and 0.00067; 1000 Genomes Project 30x 0.00078; 1000 Genomes Project 0.00080; TOPMed 0.00096; ESP Exome Variant Server 0.00100.
gnomAD v4.1: 1,107 of 1,613,212 alleles (0.069%); highest among the groups gnomAD compares: Middle Eastern, 0.55%; 1 homozygote.

Submissions (12):

CeGaT Center for Human Genetics Tuebingen
Classification: Likely benign. Last evaluated: 2026-04-01. Review status: criteria provided, single submitter. Criteria: CeGaT Center For Human Genetics Tuebingen Variant Classification Criteria Version 2. Collection method: clinical testing. Allele origin: germline. Affected: yes. Observed: 4 variant alleles.
Comment: VRK1: BP4, BP7

Labcorp Genetics (formerly Invitae), Labcorp
Classification: Benign for Pontocerebellar hypoplasia type 1A. Last evaluated: 2026-01-26. Review status: criteria provided, single submitter. Criteria: Invitae Variant Classification Sherloc (09022015). Collection method: clinical testing. Allele origin: germline.

Mayo Clinic Laboratories, Mayo Clinic
Classification: Likely benign. Last evaluated: 2025-12-14. Review status: criteria provided, single submitter. Criteria: ACMG Guidelines, 2015. Collection method: clinical testing. Allele origin: germline. Observed: 2 variant alleles.
Comment: BS1, BP4, BP7

Blueprint Genetics
Classification: Likely benign. Last evaluated: 2024-11-27. Review status: criteria provided, single submitter. Criteria: ACMG Guidelines, 2015. Collection method: clinical testing. Allele origin: germline.

GeneDx
Classification: Likely benign. Last evaluated: 2020-06-05. Review status: criteria provided, single submitter. Criteria: GeneDx Variant Classification Process June 2021. Collection method: clinical testing. Allele origin: germline. Affected: yes.

Ambry Genetics
Classification: Likely benign for Inborn genetic diseases. Last evaluated: 2019-07-11. Review status: criteria provided, single submitter. Criteria: Ambry Variant Classification Scheme 2023. Collection method: clinical testing. Allele origin: germline.

Illumina Laboratory Services, Illumina
Classification: Uncertain significance for Pontocerebellar hypoplasia type 1A. Last evaluated: 2017-04-27. Review status: criteria provided, single submitter. Criteria: ICSL Variant Classification Criteria 13 December 2019. Collection method: clinical testing. Allele origin: germline.

Eurofins Ntd Llc (ga)
Classification: Uncertain significance. Last evaluated: 2017-03-15. Review status: criteria provided, single submitter. Criteria: EGL Classification Definitions 2015. Collection method: clinical testing. Allele origin: germline. Observed: 1 variant allele, 1 heterozygote.

Genetic Services Laboratory, University of Chicago
Classification: Likely benign. Last evaluated: 2017-01-11. Review status: criteria provided, single submitter. Criteria: ACMG Guidelines, 2015. Collection method: clinical testing. Allele origin: germline. Affected: no.

Natera, Inc.
Classification: Likely benign for Pontocerebellar hypoplasia, type 1a. Last evaluated: 2019-10-23. Review status: no assertion criteria provided. Collection method: clinical testing. Allele origin: germline. Not counted in ClinVar's aggregate classification.

Clinical Genetics DNA and cytogenetics Diagnostics Lab, Erasmus MC, Erasmus Medical Center
Classification: Likely benign. Review status: no assertion criteria provided. Collection method: clinical testing. Allele origin: germline. Affected: yes. Study: VKGL Data-share Consensus. Not counted in ClinVar's aggregate classification.

Genome Diagnostics Laboratory, University Medical Center Utrecht
Classification: Likely benign. Review status: no assertion criteria provided. Collection method: clinical testing. Allele origin: germline. Affected: yes. Study: VKGL Data-share Consensus. Not counted in ClinVar's aggregate classification.